The following is an entry in ClinVar:

ClinVar aggregate classification (germline): Uncertain significance (1 of 4 stars; one submission).

Allele frequency attached by ClinVar (database versions not stated): gnomAD exomes below 0.00001.
gnomAD v4.1: 1 of 1,614,186 alleles (0.000062%); highest among the groups gnomAD compares: East Asian, 0.0022%; no homozygotes.

Submission:

Women's Health and Genetics/Laboratory Corporation of America, LabCorp
Classification: Uncertain significance. Last evaluated: 2024-01-30. Review status: criteria provided, single submitter. Criteria: LabCorp Variant Classification Summary - May 2015. Collection method: clinical testing. Allele origin: germline.
Comment: Variant summary: POGZ c.4148G>A (p.Ser1383Asn) results in a conservative amino acid change in the encoded protein sequence. Five of five in-silico tools predict a benign effect of the variant on protein function. The variant was absent in 251404 control chromosomes (gnomAD). The available data on variant occurrences in the general population are insufficient to allow any conclusion about variant significance. To our knowledge, no occurrence of c.4148G>A in individuals affected with White-Sutton Syndrome and no experimental evidence demonstrating its impact on protein function have been reported. No submitters have cited clinical-significance assessments for this variant to ClinVar. Based on the evidence outlined above, the variant was classified as uncertain significance.

NM_015100.4(POGZ):c.4148G>A (p.Ser1383Asn)

Gene: POGZ (pogo transposable element derived with ZNF domain; minus strand). Cytogenetic location: 1q21.3.
Variant type: single nucleotide variant.
Coding change: c.4148G>A on transcript NM_015100.4 (MANE Select); coding-DNA position 4148, G replaced by A.
Protein change: p.Ser1383Asn; replaces serine 1383 with asparagine.
Molecular consequence: missense variant.
Genome position (GRCh38, 1-based): chr1:151,404,887, C>T on the plus strand (G>A on the coding strand, the complement: POGZ is on the minus strand). VCF-style: chr1-151404887-C-T. GRCh37 (hg19) VCF-style: chr1-151377363-C-T.
Other names: c.4121G>A, p.Ser1374Asn (NM_001194937.2); c.3962G>A, p.Ser1321Asn (NM_001194938.2); c.4169G>A, p.Ser1390Asn (NM_001410860.1); c.3863G>A, p.Ser1288Asn (NM_145796.4); c.3989G>A, p.Ser1330Asn (NM_207171.2); short protein forms S1288N, S1321N, S1330N, S1374N, S1383N, S1390N.
Identifiers: ClinVar variation 3063716 (VCV003063716.1), dbSNP rs2529190720, ClinGen allele CA341933733.